The following is an entry in ClinVar:

NM_001370259.2(MEN1):c.244G>T (p.Asp82Tyr)

Gene: MEN1 (menin 1; minus strand). Cytogenetic location: 11q13.1.
Variant type: single nucleotide variant.
Coding change: c.244G>T on transcript NM_001370259.2 (MANE Select); coding-DNA position 244, G replaced by T.
Protein change: p.Asp82Tyr; replaces aspartic acid 82 with tyrosine.
Molecular consequence: missense variant. On other transcripts: non-coding transcript variant (4).
Genome position (GRCh38, 1-based): chr11:64,809,866, C>A on the plus strand (G>T on the coding strand, the complement: MEN1 is on the minus strand). VCF-style: chr11-64809866-C-A. GRCh37 (hg19) VCF-style: chr11-64577338-C-A.
Other names: c.244G>T, p.Asp82Tyr (NM_000244.4, NM_001370251.2, NM_001370260.2 and 20 more transcripts); short protein forms D82Y.
Identifiers: ClinVar variation 2676507 (VCV002676507.5), dbSNP rs1419086083, ClinGen allele CA381187569.

ClinVar aggregate classification (germline): Uncertain significance. Review status: criteria provided, multiple submitters, no conflicts (2 of 4 stars). 3 submissions from 3 submitters: Uncertain significance (3). Last evaluated 2026-03-31.

Conditions:
Hereditary cancer-predisposing syndrome. Also called: Tumor predisposition; Hereditary neoplastic syndrome; Neoplastic Syndromes, Hereditary; Hereditary Cancer Syndrome. Identifiers: Orphanet 140162, MedGen C0027672, MeSH D009386, MONDO:0015356.
Multiple endocrine neoplasia, type 1 (MEN1). Also called: MEA I; MEN I; WERMER SYNDROME; Endocrine adenomatosis multiple; MEN 1. Identifiers: Orphanet 652, MedGen C0025267, MeSH D018761, MONDO:0007540, OMIM 131100.

Submissions (3):

Ambry Genetics
Classification: Uncertain significance for Hereditary cancer-predisposing syndrome. Last evaluated: 2026-03-31. Review status: criteria provided, single submitter. Criteria: Ambry Variant Classification Scheme 2023. Collection method: clinical testing. Allele origin: germline.
Comment: The p.D82Y variant (also known as c.244G>T), located in coding exon 1 of the MEN1 gene, results from a G to T substitution at nucleotide position 244. The aspartic acid at codon 82 is replaced by tyrosine, an amino acid with highly dissimilar properties. This amino acid position is not well conserved in available vertebrate species. In addition, this alteration is predicted to be deleterious by in silico analysis. Based on the available evidence, the clinical significance of this variant remains unclear.

Labcorp Genetics (formerly Invitae), Labcorp
Classification: Uncertain significance for Multiple endocrine neoplasia, type 1. Last evaluated: 2023-08-27. Review status: criteria provided, single submitter. Criteria: Invitae Variant Classification Sherloc (09022015). Collection method: clinical testing. Allele origin: germline.
Comment: This sequence change replaces aspartic acid, which is acidic and polar, with tyrosine, which is neutral and polar, at codon 82 of the MEN1 protein (p.Asp82Tyr). This variant is not present in population databases (gnomAD no frequency). This variant has not been reported in the literature in individuals affected with MEN1-related conditions. Advanced modeling of protein sequence and biophysical properties (such as structural, functional, and spatial information, amino acid conservation, physicochemical variation, residue mobility, and thermodynamic stability) performed at Invitae indicates that this missense variant is expected to disrupt MEN1 protein function. In summary, the available evidence is currently insufficient to determine the role of this variant in disease. Therefore, it has been classified as a Variant of Uncertain Significance.

Baylor Genetics
Classification: Uncertain significance for Multiple Endocrine Neoplasia Type 1. Last evaluated: 2023-08-14. Review status: criteria provided, single submitter. Criteria: ACMG Guidelines, 2015. Collection method: clinical testing. Allele origin: unknown.